The following is an entry in ClinVar:

NM_001349253.2(SCN11A):c.1508A>G (p.Gln503Arg)

Gene: SCN11A (sodium voltage-gated channel alpha subunit 11; minus strand). Cytogenetic location: 3p22.2.
Variant type: single nucleotide variant.
Coding change: c.1508A>G on transcript NM_001349253.2 (MANE Select); coding-DNA position 1508, A replaced by G.
Protein change: p.Gln503Arg; replaces glutamine 503 with arginine.
Molecular consequence: missense variant.
Genome position (GRCh38, 1-based): chr3:38,905,287, T>C on the plus strand (A>G on the coding strand, the complement: SCN11A is on the minus strand). VCF-style: chr3-38905287-T-C. GRCh37 (hg19) VCF-style: chr3-38946778-T-C.
Other names: c.1508A>G, p.Gln503Arg (NM_014139.3); short protein forms Q503R.
Identifiers: ClinVar variation 3748027 (VCV003748027.2).

ClinVar aggregate classification (germline): Uncertain significance (1 of 4 stars; one submission).

Conditions:
Hereditary sensory and autonomic neuropathy type 7. Also called: Neuropathy, hereditary sensory and autonomic, type VII; HSAN VII. Identifiers: Orphanet 391397, MedGen C3809882, MONDO:0014244, OMIM 615548.
Familial episodic pain syndrome with predominantly lower limb involvement. Also called: Episodic pain syndrome, familial, 3. Identifiers: Orphanet 391384, Orphanet 391392, MedGen C3809899, MONDO:0014247, OMIM 615552.

Submission:

Labcorp Genetics (formerly Invitae), Labcorp
Classification: Uncertain significance for Familial episodic pain syndrome with predominantly lower limb involvement; Hereditary sensory and autonomic neuropathy type 7. Last evaluated: 2025-08-06. Review status: criteria provided, single submitter. Criteria: Invitae Variant Classification Sherloc (09022015). Collection method: clinical testing. Allele origin: germline.
Comment: This sequence change replaces glutamine, which is neutral and polar, with arginine, which is basic and polar, at codon 503 of the SCN11A protein (p.Gln503Arg). This variant is not present in population databases (gnomAD no frequency). This variant has not been reported in the literature in individuals affected with SCN11A-related conditions. ClinVar contains an entry for this variant (Variation ID: 3748027). An algorithm developed to predict the effect of missense changes on protein structure and function (PolyPhen-2) suggests that this variant is likely to be tolerated. In summary, the available evidence is currently insufficient to determine the role of this variant in disease. Therefore, it has been classified as a Variant of Uncertain Significance.